The following is an entry in ClinVar:

ClinVar aggregate classification (germline): Conflicting classifications of pathogenicity. Review status: criteria provided, conflicting classifications (1 of 4 stars). 2 submissions from 2 submitters: Uncertain significance (1); Likely benign (1). Last evaluated 2026-06-04.

Conditions:
Renal cell carcinoma. Identifiers: Orphanet 217071, MedGen C0007134, MeSH D002292, MONDO:0005086, HP:0005584.
Hereditary cancer-predisposing syndrome. Also called: Neoplastic Syndromes, Hereditary; Tumor predisposition; Hereditary Cancer Syndrome; Hereditary neoplastic syndrome. Identifiers: Orphanet 140162, MedGen C0027672, MeSH D009386, MONDO:0015356.

Submissions (2):

Ambry Genetics
Classification: Likely benign for Hereditary cancer-predisposing syndrome. Last evaluated: 2026-06-04. Review status: criteria provided, single submitter. Criteria: Ambry Variant Classification Scheme 2023. Collection method: clinical testing. Allele origin: germline.

Labcorp Genetics (formerly Invitae), Labcorp
Classification: Uncertain significance for Renal cell carcinoma. Last evaluated: 2025-08-13. Review status: criteria provided, single submitter. Criteria: Invitae Variant Classification Sherloc (09022015). Collection method: clinical testing. Allele origin: germline.
Comment: This sequence change replaces isoleucine, which is neutral and non-polar, with valine, which is neutral and non-polar, at codon 316 of the MET protein (p.Ile316Val). This variant is not present in population databases (gnomAD no frequency). This variant has not been reported in the literature in individuals affected with MET-related conditions. ClinVar contains an entry for this variant (Variation ID: 2587468). Invitae Evidence Modeling of protein sequence and biophysical properties (such as structural, functional, and spatial information, amino acid conservation, physicochemical variation, residue mobility, and thermodynamic stability) indicates that this missense variant is not expected to disrupt MET protein function with a negative predictive value of 80%. In summary, the available evidence is currently insufficient to determine the role of this variant in disease. Therefore, it has been classified as a Variant of Uncertain Significance.

NM_000245.4(MET):c.946A>G (p.Ile316Val)

Gene: MET (MET proto-oncogene, receptor tyrosine kinase; plus strand). Cytogenetic location: 7q31.2.
Variant type: single nucleotide variant.
Coding change: c.946A>G on transcript NM_000245.4 (MANE Select); coding-DNA position 946, A replaced by G.
Protein change: p.Ile316Val; replaces isoleucine 316 with valine.
Molecular consequence: missense variant. On other transcripts: intron variant (1).
Genome position (GRCh38, 1-based): chr7:116,700,030, A>G. VCF-style: chr7-116700030-A-G. GRCh37 (hg19) VCF-style: chr7-116340084-A-G.
Other names: c.946A>G, p.Ile316Val (NM_001324401.3, NM_001127500.3); c.-91+27453A>G (NM_001324402.2); short protein forms I316V.
Identifiers: ClinVar variation 2587468 (VCV002587468.4), dbSNP rs2116601472, ClinGen allele CA368970210.
Genomic context (GRCh38, chr7:116,700,030, plus strand): 5'-CTGGAGTGTATTCTCACAGAAAAGAGAAAAAAGAGATCCACAAAGAAGGAAGTGTTTAAT[A>G]TACTTCAGGCTGCGTATGTCAGCAAGCCTGGGGCCCAGCTTGCTAGACAAATAGGAGCCA-3'
Protein context (NP_000236.2, residues 306-326): KRSTKKEVFN[Ile316Val]LQAAYVSKPG